The following is an entry in ClinVar:

ClinVar aggregate classification (germline): Uncertain significance (1 of 4 stars; one submission).

Submission:

Labcorp Genetics (formerly Invitae), Labcorp
Classification: Uncertain significance. Last evaluated: 2022-08-20. Review status: criteria provided, single submitter. Criteria: Invitae Variant Classification Sherloc (09022015). Collection method: clinical testing. Allele origin: germline.
Comment: In summary, the available evidence is currently insufficient to determine the role of this variant in disease. Therefore, it has been classified as a Variant of Uncertain Significance. Experimental studies and prediction algorithms are not available or were not evaluated, and the functional significance of this variant is currently unknown. This variant has not been reported in the literature in individuals affected with DEF6-related conditions. This variant is not present in population databases (gnomAD no frequency). This variant, c.177_179del, results in the deletion of 1 amino acid(s) of the DEF6 protein (p.Asp60del), but otherwise preserves the integrity of the reading frame.

NM_022047.4(DEF6):c.171TGA[2] (p.Asp60del)

Gene: DEF6 (DEF6 guanine nucleotide exchange factor; plus strand). Cytogenetic location: 6p21.31.
Variant type: Microsatellite.
Coding change: c.171TGA[2] on transcript NM_022047.4 (MANE Select); two copies in a row of the 3-base unit TGA starting at c.171; the reference has three copies in a row; one copy, 3 bases deleted.
Protein change: p.Asp60del; deletes aspartic acid 60.
Molecular consequence: inframe deletion.
Genome position (GRCh38, 1-based): chr6:35,309,750-35,309,752, TGA deleted; deleting any 3 consecutive bases within chr6:35,309,742-35,309,752 gives the same sequence; the position shown is the placement nearest the transcript's 3' end. VCF-style (leftmost placement, unchanged base first): chr6-35309741-AGAT-A. GRCh37 (hg19) VCF-style: chr6-35277518-AGAT-A.
Other names: short protein forms D60del.
Identifiers: ClinVar variation 1999545 (VCV001999545.4), dbSNP rs2534179159, ClinGen allele CA2580614873.
Genomic context (GRCh38, chr6:35,309,741, plus strand): 5'-CAACCTGTACACGGTCCTGCACATCCCCCATGACCCCGTGGCCCTGGAGGAACACTTCCG[AGAT>A]GATGATGACGGCCCTGTGTCCAGCCAGGGATACATGCCCTACCTCAACAAGTACATCCTG-3'